The following is an entry in ClinVar:

NM_000088.4(COL1A1):c.579dup (p.Gly194fs)

Gene: COL1A1 (collagen type I alpha 1 chain; minus strand). Cytogenetic location: 17q21.33.
Variant type: Duplication.
Coding change: c.579dup on transcript NM_000088.4 (MANE Select); coding-DNA position 579, one base duplicated (T; older notation c.579dupT).
Protein change: p.Gly194fs; shifts the reading frame from glycine 194.
Molecular consequence: frameshift variant.
Genome position (GRCh38, 1-based): chr17:50,198,170, A duplicated on the plus strand (T on the coding strand, the reverse complement: COL1A1 is on the minus strand). VCF-style (leftmost placement, unchanged base first): chr17-50198169-C-CA. GRCh37 (hg19) VCF-style: chr17-48275530-C-CA.
Other names: short protein forms G194fs.
Identifiers: ClinVar variation 3725989 (VCV003725989.2).
Genomic context (GRCh38, chr17:50,198,169, plus strand): 5'-CTCCAAAAGACCAAAGCCCAAGGAGGCATATGAAGACGTCCTGGATACTCACAGGTGCAC[C>CA]AGGGGGGCCAGGGAGACCACGAGGACCAGAGGGACCCTATAGAGGGAGAAGAAAGGGGGG-3'

ClinVar aggregate classification (germline): Pathogenic (1 of 4 stars; one submission).

Conditions:
Osteogenesis imperfecta type I (OI1). Also called: Lobstein's Disease; Lobstein disease; Classic Non-deforming Osteogenesis Imperfecta with Blue Sclerae; OI, TYPE I; OSTEOGENESIS IMPERFECTA TARDA; OSTEOGENESIS IMPERFECTA WITH BLUE SCLERAE. Identifiers: Orphanet 216796, Orphanet 666, MedGen C0023931, MONDO:0008146, OMIM 166200. Disease mechanism: loss of function.

Submission:

Labcorp Genetics (formerly Invitae), Labcorp
Classification: Pathogenic for Osteogenesis imperfecta type I. Last evaluated: 2024-11-25. Review status: criteria provided, single submitter. Criteria: Invitae Variant Classification Sherloc (09022015). Collection method: clinical testing. Allele origin: germline.
Comment: This sequence change creates a premature translational stop signal (p.Gly194Trpfs*14) in the COL1A1 gene. It is expected to result in an absent or disrupted protein product. Loss-of-function variants in COL1A1 are known to be pathogenic (PMID: 7942841, 9295084, 9443882). This variant is not present in population databases (gnomAD no frequency). This premature translational stop signal has been observed in individual(s) with Osteogenesis imperfecta (PMID: 34358384). For these reasons, this variant has been classified as Pathogenic.

Literature cited by the submitters: PubMed 7942841; PubMed 9295084; PubMed 9443882; PubMed 34358384.